The following is an entry in ClinVar:

NM_000203.5(IDUA):c.299+2403C>A

Genes: IDUA (alpha-L-iduronidase; plus strand), SLC26A1 (solute carrier family 26 member 1; minus strand). Cytogenetic location: 4p16.3.
Variant type: single nucleotide variant.
Coding change: c.299+2403C>A on transcript NM_000203.5 (MANE Select); 2403 bases into the intron after coding-DNA position 299, C replaced by A.
Molecular consequence: intron variant. On other transcripts: missense variant (2).
Genome position (GRCh38, 1-based): chr4:990,352, C>A. VCF-style: chr4-990352-C-A. GRCh37 (hg19) VCF-style: chr4-984140-C-A.
Other names: c.587G>T, p.Gly196Val (NM_022042.4, NM_213613.4); c.576+776G>T (NM_134425.4); short protein forms G196V.
Identifiers: ClinVar variation 3369358 (VCV003369358.1).

ClinVar aggregate classification (germline): Uncertain significance (1 of 4 stars; one submission).

Submission:

GeneDx
Classification: Uncertain significance. Last evaluated: 2024-04-25. Review status: criteria provided, single submitter. Criteria: GeneDx Variant Classification Process June 2021. Collection method: clinical testing. Allele origin: germline. Affected: yes.
Comment: Not observed at significant frequency in large population cohorts (gnomAD); In silico analysis supports a deleterious effect on splicing; Has not been previously published as pathogenic or benign to our knowledge; Variants in candidate genes are classified as variants of uncertain significance in accordance with ACMG guidelines (PMID: 25741868)